The following is an entry in ClinVar:

NM_001282933.2(ZNF341):c.241C>T (p.Pro81Ser)

Gene: ZNF341 (zinc finger protein 341; plus strand). Cytogenetic location: 20q11.22.
Variant type: single nucleotide variant.
Coding change: c.241C>T on transcript NM_001282933.2 (MANE Select); coding-DNA position 241, C replaced by T.
Protein change: p.Pro81Ser; replaces proline 81 with serine.
Molecular consequence: missense variant. On other transcripts: non-coding transcript variant (1), intron variant (1).
Genome position (GRCh38, 1-based): chr20:33,745,201, C>T. VCF-style: chr20-33745201-C-T. GRCh37 (hg19) VCF-style: chr20-32333007-C-T.
Other names: c.241C>T, p.Pro81Ser (NM_032819.5); c.70-3722C>T (NM_001282935.2); c.241C>T (NM_032819.3); short protein forms P81S.
Identifiers: ClinVar variation 1516165 (VCV001516165.6), dbSNP rs752072467, ClinGen allele CA9819106.

ClinVar aggregate classification (germline): Uncertain significance. Review status: criteria provided, multiple submitters, no conflicts (2 of 4 stars). 2 submissions from 2 submitters: Uncertain significance (2). Last evaluated 2025-01-01.

Allele frequency attached by ClinVar (database versions not stated): ExAC 0.00003; gnomAD 0.00003 and 0.00004; TOPMed 0.00005.
gnomAD v4.1: 69 of 1,614,084 alleles (0.0043%); highest among the groups gnomAD compares: Non-Finnish European, 0.0057%; 1 homozygote.

Submissions (2):

Ambry Genetics
Classification: Uncertain significance. Last evaluated: 2025-01-01. Review status: criteria provided, single submitter. Criteria: Ambry Variant Classification Scheme 2023. Collection method: clinical testing. Allele origin: germline.

Labcorp Genetics (formerly Invitae), Labcorp
Classification: Uncertain significance. Last evaluated: 2024-11-11. Review status: criteria provided, single submitter. Criteria: Invitae Variant Classification Sherloc (09022015). Collection method: clinical testing. Allele origin: germline.
Comment: This sequence change replaces proline, which is neutral and non-polar, with serine, which is neutral and polar, at codon 81 of the ZNF341 protein (p.Pro81Ser). This variant is present in population databases (rs752072467, gnomAD 0.005%). This variant has not been reported in the literature in individuals affected with ZNF341-related conditions. ClinVar contains an entry for this variant (Variation ID: 1516165). An algorithm developed to predict the effect of missense changes on protein structure and function outputs the following: PolyPhen-2: "Benign". The serine amino acid residue is found in multiple mammalian species, which suggests that this missense change does not adversely affect protein function. In summary, the available evidence is currently insufficient to determine the role of this variant in disease. Therefore, it has been classified as a Variant of Uncertain Significance.